The following is an entry in ClinVar:

NM_000211.5(ITGB2):c.2128G>A (p.Ala710Thr)

Gene: ITGB2 (integrin subunit beta 2; minus strand). Cytogenetic location: 21q22.3.
Variant type: single nucleotide variant.
Coding change: c.2128G>A on transcript NM_000211.5 (MANE Select); coding-DNA position 2128, G replaced by A.
Protein change: p.Ala710Thr; replaces alanine 710 with threonine.
Molecular consequence: missense variant.
Genome position (GRCh38, 1-based): chr21:44,886,855, C>T on the plus strand (G>A on the coding strand, the complement: ITGB2 is on the minus strand). VCF-style: chr21-44886855-C-T. GRCh37 (hg19) VCF-style: chr21-46306770-C-T.
Other names: c.2128G>A, p.Ala710Thr (NM_001127491.3); c.1921G>A, p.Ala641Thr (NM_001303238.2); short protein forms A710T, A641T.
Identifiers: ClinVar variation 650081 (VCV000650081.6), dbSNP rs776689530, ClinGen allele CA10062545.
Genomic context (GRCh38, chr21:44,886,855, plus strand): 5'-TCAGGTGGATCAGAGCCTTCCAGATGACCAGCAGGAGAATGCCGATCAGCACGATGCCTG[C>T]CACGGTGCCCCCGACGATGGCGGCGATGTTGGGGCCTGCCACACACTCTAGGGAAGAAGC-3'
Protein context (NP_000202.3, residues 700-720): NIAAIVGGTV[Ala710Thr]GIVLIGILLL

ClinVar aggregate classification (germline): Uncertain significance (1 of 4 stars; one submission).

Conditions:
Leukocyte adhesion deficiency 1 (LAD1). Also called: LEUKOCYTE ADHESION DEFICIENCY, TYPE I; LAD 1; Lymphocyte function-associated antigen 1 immunodeficiency; LFA 1 immunodeficiency. Identifiers: Orphanet 2968, Orphanet 99842, MedGen C0398738, MONDO:0007293, OMIM 116920.

Allele frequency attached by ClinVar (database versions not stated): gnomAD exomes below 0.00001 and 0.00001; ExAC 0.00001; gnomAD 0.00001; TOPMed 0.00002.
gnomAD v4.1: 6 of 1,613,458 alleles (0.00037%); highest among the groups gnomAD compares: African/African-American, 0.0067%; no homozygotes.

Submission:

Labcorp Genetics (formerly Invitae), Labcorp
Classification: Uncertain significance for Leukocyte adhesion deficiency 1. Last evaluated: 2021-08-26. Review status: criteria provided, single submitter. Criteria: Invitae Variant Classification Sherloc (09022015). Collection method: clinical testing. Allele origin: germline.
Comment: This sequence change replaces alanine with threonine at codon 710 of the ITGB2 protein (p.Ala710Thr). The alanine residue is moderately conserved and there is a small physicochemical difference between alanine and threonine. This variant is present in population databases (rs776689530, ExAC 0.002%). This variant has not been reported in the literature in individuals affected with ITGB2-related conditions. Algorithms developed to predict the effect of missense changes on protein structure and function are either unavailable or do not agree on the potential impact of this missense change (SIFT: "Tolerated"; PolyPhen-2: "Possibly Damaging"; Align-GVGD: "Class C0"). In summary, the available evidence is currently insufficient to determine the role of this variant in disease. Therefore, it has been classified as a Variant of Uncertain Significance.